The following is an entry in ClinVar:

NM_005857.5(ZMPSTE24):c.202C>T (p.Arg68Ter)

Gene: ZMPSTE24 (zinc metallopeptidase STE24; plus strand). Cytogenetic location: 1p34.2.
Variant type: single nucleotide variant.
Coding change: c.202C>T on transcript NM_005857.5 (MANE Select); coding-DNA position 202, C replaced by T.
Protein change: p.Arg68Ter; replaces arginine 68 with a stop codon.
Molecular consequence: nonsense.
Genome position (GRCh38, 1-based): chr1:40,260,917, C>T. VCF-style: chr1-40260917-C-T. GRCh37 (hg19) VCF-style: chr1-40726589-C-T.
Other names: short protein forms R68*.
Identifiers: ClinVar variation 2192618 (VCV002192618.4), dbSNP rs771057161, ClinGen allele CA790931.

ClinVar aggregate classification (germline): Pathogenic (1 of 4 stars; one submission).

Allele frequency attached by ClinVar (database versions not stated): TOPMed below 0.00001; gnomAD 0.00001.

Submission:

Labcorp Genetics (formerly Invitae), Labcorp
Classification: Pathogenic. Last evaluated: 2023-04-28. Review status: criteria provided, single submitter. Criteria: Invitae Variant Classification Sherloc (09022015). Collection method: clinical testing. Allele origin: germline.
Comment: For these reasons, this variant has been classified as Pathogenic. ClinVar contains an entry for this variant (Variation ID: 2192618). This premature translational stop signal has been observed in individual(s) with mandibuloacral dysplasia (PMID: 30548811). This variant is present in population databases (rs771057161, gnomAD no frequency). This sequence change creates a premature translational stop signal (p.Arg68*) in the ZMPSTE24 gene. It is expected to result in an absent or disrupted protein product. Loss-of-function variants in ZMPSTE24 are known to be pathogenic (PMID: 22718200, 24169522).

Literature cited by the submitters: PubMed 30548811; PubMed 22718200; PubMed 24169522.